The following is an entry in ClinVar:

NM_000157.4(GBA1):c.710A>T (p.Lys237Met)

Genes: GBA1 (glucosylceramidase beta 1; minus strand), LOC106627981 (GBA recombination region; plus strand). Cytogenetic location: 1q22.
Variant type: single nucleotide variant.
Coding change: c.710A>T on transcript NM_000157.4 (MANE Select); coding-DNA position 710, A replaced by T.
Protein change: p.Lys237Met; replaces lysine 237 with methionine.
Molecular consequence: missense variant.
Genome position (GRCh38, 1-based): chr1:155,238,185, T>A on the plus strand (A>T on the coding strand, the complement: GBA1 is on the minus strand). VCF-style: chr1-155238185-T-A. GRCh37 (hg19) VCF-style: chr1-155207976-T-A.
Other names: c.710A>T, p.Lys237Met (NM_001005741.3, NM_001005742.3); c.449A>T, p.Lys150Met (NM_001171811.2); c.563A>T, p.Lys188Met (NM_001171812.2); short protein forms K237M, K150M, K188M.
Identifiers: ClinVar variation 4525829 (VCV004525829.1).

ClinVar aggregate classification (germline): Uncertain significance (1 of 4 stars; one submission).

Submission:

Women's Health and Genetics/Laboratory Corporation of America, LabCorp
Classification: Uncertain significance. Last evaluated: 2025-07-16. Review status: criteria provided, single submitter. Criteria: LabCorp Variant Classification Summary - May 2015. Collection method: clinical testing. Allele origin: germline.
Comment: Variant summary: GBA1 c.710A>T (p.Lys237Met) results in a non-conservative amino acid change in the encoded protein sequence. Algorithms developed to predict the effect of missense changes on protein structure and function all suggest that this variant is likely to be disruptive. This variant was absent in the gnomAD v2 database. The available data on variant occurrences in the general population are insufficient to allow any conclusion about variant significance. To our knowledge, no occurrence of c.710A>T in individuals affected with GBA1-related conditions and no experimental evidence demonstrating its impact on protein function have been reported. No submitters have cited clinical-significance assessments for this variant to ClinVar. Based on the evidence outlined above, the variant was classified as uncertain significance.